The following is an entry in ClinVar:

ClinVar aggregate classification (germline): Pathogenic (1 of 4 stars; one submission).

Conditions:
Intellectual developmental disorder, autosomal recessive 13. Also called: Intellectual disability, autosomal recessive 13. Identifiers: Orphanet 88616, MedGen C2750791, MONDO:0013173, OMIM 613192.

Submission:

Molecular Genetics and NGS Laboratory, Hospital Fundacion Valle Del Lili
Classification: Pathogenic for Intellectual developmental disorder, autosomal recessive 13. Last evaluated: 2023-11-16. Review status: criteria provided, single submitter. Criteria: ACMG Guidelines, 2015. Collection method: clinical testing. Allele origin: germline. Affected: yes. Observed: 3 variant alleles.
Comment: The variant in affected individuals is homozygous, and their parents are heterozygous. In summary, the variant meets our criteria to be classified as pathogenic.

NM_001160372.4(TRAPPC9):c.2186del (p.Gly729fs)

Gene: TRAPPC9 (trafficking protein particle complex subunit 9; minus strand). Cytogenetic location: 8q24.3.
Variant type: Deletion.
Coding change: c.2186del on transcript NM_001160372.4 (MANE Select); coding-DNA position 2186, one base deleted (G; older notation c.2186delG).
Protein change: p.Gly729fs; shifts the reading frame from glycine 729.
Molecular consequence: frameshift variant. On other transcripts: non-coding transcript variant (1).
Genome position (GRCh38, 1-based): chr8:140,275,750, C deleted on the plus strand (G on the coding strand, the reverse complement: TRAPPC9 is on the minus strand); the first of 2 consecutive C bases (chr8:140,275,750-140,275,751); deleting either gives the same sequence. VCF-style (leftmost placement, unchanged base first): chr8-140275749-TC-T. GRCh37 (hg19) VCF-style: chr8-141285848-TC-T.
Other names: p.Gly729GlufsTer6; c.2159del, p.Gly720fs (NM_001321646.2); c.2207del, p.Gly736fs (NM_001374682.1); c.2186del, p.Gly729fs (NM_001374683.1, NM_031466.8); c.2042del, p.Gly681fs (NM_001374684.1); short protein forms G681fs, G720fs, G729fs, G736fs.
Identifiers: ClinVar variation 2637918 (VCV002637918.2), dbSNP rs2065096453, ClinGen allele CA1824574326.